The following is an entry in ClinVar:

NM_001276700.2(NLRP6):c.349+103G>A

Gene: NLRP6 (NLR family pyrin domain containing 6; plus strand). Cytogenetic location: 11p15.5.
Variant type: single nucleotide variant.
Coding change: c.349+103G>A on transcript NM_001276700.2 (MANE Select); 103 bases into the intron after coding-DNA position 349, G replaced by A.
Molecular consequence: intron variant.
Genome position (GRCh38, 1-based): chr11:279,975, G>A. VCF-style: chr11-279975-G-A. GRCh37 (hg19) VCF-style: chr11-279975-G-A.
Other names: c.349+103G>A (NM_138329.2).
Identifiers: ClinVar variation 103254 (VCV000103254.2), dbSNP rs199475800, ClinGen allele CA230320.

ClinVar aggregate classification (germline): not provided (0 of 4 stars; one submission).

Allele frequency attached by ClinVar (database versions not stated): gnomAD exomes 0.00016; 1000 Genomes Project 30x 0.00187; gnomAD 0.00193 and 0.00211; 1000 Genomes Project 0.00200; TOPMed 0.00223.
gnomAD v4.1: 520 of 1,414,306 alleles (0.037%); highest among the groups gnomAD compares: African/African-American, 0.65%; 5 homozygotes.

Submission:

Human Evolutionary Genetics, Institut Pasteur
No classification provided. Review status: no classification provided. Collection method: not provided. Allele origin: germline.
ClinVar note: Converted during submission from untested to not provided.